The following is an entry in ClinVar:

ClinVar aggregate classification (germline): Likely pathogenic (1 of 4 stars; one submission).

Conditions:
Macrocephaly-developmental delay syndrome (MRT41). Also called: INTELLECTUAL DEVELOPMENTAL DISORDER, AUTOSOMAL RECESSIVE 41. Identifiers: Orphanet 397612, MedGen C3810225, MONDO:0014289, OMIM 615637.

Allele frequency attached by ClinVar (database versions not stated): gnomAD exomes below 0.00001.

Submission:

Baylor Genetics
Classification: Likely pathogenic for Macrocephaly-developmental delay syndrome. Last evaluated: 2020-11-04. Review status: criteria provided, single submitter. Criteria: ACMG Guidelines, 2015. Collection method: clinical testing. Allele origin: unknown. Affected: yes.
Comment: This variant was determined to be likely pathogenic according to ACMG Guidelines, 2015 [PMID:25741868].

NM_007059.4(KPTN):c.754C>T (p.Arg252Ter)

Gene: KPTN (kaptin, actin binding protein; minus strand). Cytogenetic location: 19q13.32.
Variant type: single nucleotide variant.
Coding change: c.754C>T on transcript NM_007059.4 (MANE Select); coding-DNA position 754, C replaced by T.
Protein change: p.Arg252Ter; replaces arginine 252 with a stop codon.
Molecular consequence: nonsense. On other transcripts: non-coding transcript variant (1).
Genome position (GRCh38, 1-based): chr19:47,479,896, G>A on the plus strand (C>T on the coding strand, the complement: KPTN is on the minus strand). VCF-style: chr19-47479896-G-A. GRCh37 (hg19) VCF-style: chr19-47983153-G-A.
Other names: c.586C>T, p.Arg196Ter (NM_001291296.2); short protein forms R196*, R252*.
Identifiers: ClinVar variation 1030189 (VCV001030189.1), dbSNP rs1192367520, ClinGen allele CA406603102.